The following is an entry in ClinVar:

NM_000046.5(ARSB):c.438del (p.Trp146fs)

Gene: ARSB (arylsulfatase B; minus strand). Cytogenetic location: 5q14.1.
Variant type: Deletion.
Coding change: c.438del on transcript NM_000046.5 (MANE Select); coding-DNA position 438, one base deleted (G; older notation c.438delG).
Protein change: p.Trp146fs; shifts the reading frame from tryptophan 146.
Molecular consequence: frameshift variant.
Genome position (GRCh38, 1-based): chr5:78,969,067, C deleted on the plus strand (G on the coding strand, the reverse complement: ARSB is on the minus strand); the first of 2 consecutive C bases (chr5:78,969,067-78,969,068); deleting either gives the same sequence. VCF-style (leftmost placement, unchanged base first): chr5-78969066-GC-G. GRCh37 (hg19) VCF-style: chr5-78264889-GC-G.
Other names: p.Trp146CysfsTer38; c.438del, p.Trp146fs (NM_198709.3); short protein forms W146fs.
Identifiers: ClinVar variation 2446055 (VCV002446055.2), dbSNP rs2530606693, ClinGen allele CA2580073473.

ClinVar aggregate classification (germline): Pathogenic (1 of 4 stars; one submission).

Conditions:
Mucopolysaccharidosis type 6 (MPS6). Also called: N-ACETYLGALACTOSAMINE-4-SULFATASE DEFICIENCY; ARSB DEFICIENCY; ARYLSULFATASE B DEFICIENCY; MPS VI; MPS 6; Maroteaux Lamy syndrome. Identifiers: Orphanet 583, MedGen C0026709, MONDO:0009661, OMIM 253200.

Submission:

Foundation for Research in Genetics and Endocrinology, FRIGE's Institute of Human Genetics
Classification: Pathogenic for Mucopolysaccharidosis type 6. Last evaluated: 2023-03-18. Review status: criteria provided, single submitter. Criteria: ACMG Guidelines, 2015. Collection method: clinical testing. Allele origin: germline. Inheritance: Autosomal recessive inheritance. Affected: yes. Observed: 1 homozygote.
Comment: A homozygous single base pair deletion in exon 2 of the ARSB gene that results in a frameshift and premature truncation of the protein 38 amino acids downstream to codon 146 (p.Trp146Cysfs*38) was detected. This variant has not been reported in the 1000 genomes and gnomAD databases. The in-silico prediction of the variant is damaging MutationTaster2. The reference region is conserved across species. In summary the variant meets our criteria to be classified as pathogenic.